The following is an entry in ClinVar:

ClinVar aggregate classification (germline): Uncertain significance (1 of 4 stars; one submission).

Allele frequency attached by ClinVar (database versions not stated): gnomAD exomes below 0.00001; TOPMed 0.00002; gnomAD 0.00003.

Submission:

Labcorp Genetics (formerly Invitae), Labcorp
Classification: Uncertain significance. Last evaluated: 2025-06-18. Review status: criteria provided, single submitter. Criteria: Invitae Variant Classification Sherloc (09022015). Collection method: clinical testing. Allele origin: germline.
Comment: This sequence change falls in intron 3 of the NCSTN gene. It does not directly change the encoded amino acid sequence of the NCSTN protein. It affects a nucleotide within the consensus splice site. This variant is present in population databases (no rsID available, gnomAD 0.0009%). This variant has not been reported in the literature in individuals affected with NCSTN-related conditions. ClinVar contains an entry for this variant (Variation ID: 1479261). Variants that disrupt the consensus splice site are a relatively common cause of aberrant splicing (PMID: 17576681, 9536098). Algorithms developed to predict the effect of sequence changes on RNA splicing suggest that this variant may disrupt the consensus splice site. In summary, the available evidence is currently insufficient to determine the role of this variant in disease. Therefore, it has been classified as a Variant of Uncertain Significance.

Literature cited by the submitters: PubMed 17576681; PubMed 9536098.

NM_015331.3(NCSTN):c.314+2_314+4dup

Gene: NCSTN (nicastrin; plus strand). Cytogenetic location: 1q23.2.
Variant type: Duplication.
Coding change: c.314+2_314+4dup on transcript NM_015331.3 (MANE Select); the canonical splice donor site of the intron after coding-DNA position 314 through 4 bases into the intron after coding-DNA position 314, 3 bases duplicated (TAA; older notation c.314+2_314+4dupTAA).
Molecular consequence: splice donor variant.
Genome position (GRCh38, 1-based): chr1:160,349,124-160,349,126, TAA duplicated. VCF-style (leftmost placement, unchanged base first): chr1-160349123-G-GTAA. GRCh37 (hg19) VCF-style: chr1-160318913-G-GTAA.
Other names: c.254+2_254+4dup (NM_001290184.2); c.314+2_314+4dup (NM_001349729.2, NM_001290186.2).
Identifiers: ClinVar variation 1479261 (VCV001479261.6), dbSNP rs1180664508, ClinGen allele CA421365552.